The following continues an entry in ClinVar:

NM_000350.3(ABCA4):c.5882G>A (p.Gly1961Glu)

Gene: ABCA4. ClinVar aggregate classification (germline): Pathogenic. Pathogenic (1).

Submissions 60 to 79 of 79:

Juno Genomics, Hangzhou Juno Genomics, Inc
Classification: Pathogenic for Severe early-childhood-onset retinal dystrophy. Review status: criteria provided, single submitter. Criteria: ACMG Guidelines, 2015. Collection method: clinical testing. Allele origin: germline. Not counted in ClinVar's aggregate classification.
Comment: For recessive disorders, detected in trans with a pathogenic variant.;Patient's phenotype or family history is highly specific for a disease with a single genetic etiology.;Co-segregation with disease in multiple affected family members.;Well-established in vitro or in vivo functional studies supportive of a damaging effect on the gene or gene product.;Multiple lines of computational evidence support a deleterious effect on the gene or gene product.

Lupski Lab, Baylor-Hopkins CMG, Baylor College of Medicine
Classification: Likely pathogenic for Severe early-childhood-onset retinal dystrophy. Review status: criteria provided, single submitter. Criteria: Lee et al. (Hum Genet 2016). Collection method: research. Allele origin: germline. Inheritance: Autosomal recessive inheritance. Affected: yes and no. Observed: 1 heterozygote, 2 compound heterozygotes. Not counted in ClinVar's aggregate classification.
Comment: identified in compound heterozygous state in affected individual/s with macular isease

Neuberg Centre For Genomic Medicine, NCGM
Classification: Pathogenic for Severe early-childhood-onset retinal dystrophy. Review status: criteria provided, single submitter. Criteria: ACMG Guidelines, 2015. Collection method: clinical testing. Allele origin: germline. Inheritance: Autosomal recessive inheritance. Affected: yes. Not counted in ClinVar's aggregate classification.

Sharon lab, Hadassah-Hebrew University Medical Center
Classification: Pathogenic for Stargardt disease. Last evaluated: 2019-06-23. Review status: no assertion criteria provided. Collection method: research. Allele origin: inherited. Affected: yes. Not counted in ClinVar's aggregate classification.

Department of Clinical Genetics, Copenhagen University Hospital, Rigshospitalet
Classification: Pathogenic for Stargardt disease. Last evaluated: 2018-04-01. Review status: no assertion criteria provided. Collection method: research. Allele origin: unknown. Affected: yes. Study: VeluxRD. Not counted in ClinVar's aggregate classification.

Department of Clinical Genetics, Copenhagen University Hospital, Rigshospitalet
Classification: Likely pathogenic for Macular dystrophy. Last evaluated: 2018-04-01. Review status: no assertion criteria provided. Collection method: research. Allele origin: unknown. Affected: yes. Study: VeluxRD. Not counted in ClinVar's aggregate classification.

Joint Genome Diagnostic Labs from Nijmegen and Maastricht, Radboudumc and MUMC+
Classification: Pathogenic for Age related macular degeneration 2. Last evaluated: 2016-09-01. Review status: no assertion criteria provided. Collection method: clinical testing. Allele origin: unknown, inherited. Affected: yes. Observed: 2 variant alleles. Not counted in ClinVar's aggregate classification.

Division of Human Genetics, Children's Hospital of Philadelphia
Classification: Pathogenic for Cone-rod dystrophy 3. Last evaluated: 2016-06-10. Review status: no assertion criteria provided. Collection method: research. Allele origin: germline. Study: CSER-PediSeq. Not counted in ClinVar's aggregate classification.

NIHR Bioresource Rare Diseases, University of Cambridge
Classification: Likely pathogenic for Macular dystrophy. Last evaluated: 2015-01-01. Review status: no assertion criteria provided. Collection method: research. Allele origin: unknown. Affected: yes. Observed: 2 variant alleles. Not counted in ClinVar's aggregate classification.

NIHR Bioresource Rare Diseases, University of Cambridge
Classification: Likely pathogenic for Retinal dystrophy. Last evaluated: 2015-01-01. Review status: no assertion criteria provided. Collection method: research. Allele origin: unknown. Affected: yes. Observed: 2 variant alleles. Not counted in ClinVar's aggregate classification.

OMIM
Classification: risk factor for MACULAR DEGENERATION, AGE-RELATED, 2, SUSCEPTIBILITY TO. Last evaluated: 2008-07-01. Review status: no assertion criteria provided. Collection method: literature only. Allele origin: germline. Not counted in ClinVar's aggregate classification.

OMIM
Classification: Pathogenic for STARGARDT DISEASE 1. Last evaluated: 2008-07-01. Review status: no assertion criteria provided. Collection method: literature only. Allele origin: germline. Not counted in ClinVar's aggregate classification.

OMIM
Classification: Pathogenic for CONE-ROD DYSTROPHY 3. Last evaluated: 2008-07-01. Review status: no assertion criteria provided. Collection method: literature only. Allele origin: germline. Not counted in ClinVar's aggregate classification.

Clinical Genetics DNA and cytogenetics Diagnostics Lab, Erasmus MC, Erasmus Medical Center
Classification: Pathogenic. Review status: no assertion criteria provided. Collection method: clinical testing. Allele origin: germline. Affected: yes. Study: VKGL Data-share Consensus. Not counted in ClinVar's aggregate classification.

Clinical Genetics, Academic Medical Center
Classification: Pathogenic. Review status: no assertion criteria provided. Collection method: clinical testing. Allele origin: germline. Affected: yes. Study: VKGL Data-share Consensus. Not counted in ClinVar's aggregate classification.

Department of Pathology and Laboratory Medicine, Sinai Health System
Classification: Pathogenic. Review status: no assertion criteria provided. Collection method: clinical testing. Allele origin: unknown. Affected: yes. Study: The Canadian Open Genetics Repository (COGR). Not counted in ClinVar's aggregate classification.
Comment: The ABCA4 p.Gly1961Glu variant was identified in the literature in several homozygous or compound heterozygous individuals with ABCA4-related conditions (Stargardt disease 1, autosomal recessive retinitis pigmentosa, cone-rod dystrophy); this variant is typically associated with a milder phenotype and late-onset disease (Cella_2009_PMID:19217903; Burke_2012_PMID:22661473; Wiszniewski_2005_PMID:16103129; Kaway_2017_PMID:28611652; Zernant_2018_PMID:29848554). Furthermore, this variant is also seen to segregate with autosomal recessive retinitis pigmentosa, as seen in a large consanguineous family where this variant was identified in three affected compound heterozygotes (Ducroq_2006_PMID:16896346). The variant was identified in dbSNP (ID: rs1800553) and ClinVar (classified as pathogenic by Laboratory for Molecular Medicine, GeneDx and ten other laboratories, and as likely pathogenic by Mendelics and four other laboratories). The variant was identified in control databases in 1291 of 282848 chromosomes (10 homozygous) at a frequency of 0.004564 (Genome Aggregation Database March 6, 2019, v2.1.1). The variant was observed in the following populations: Ashkenazi Jewish in 242 of 10368 chromosomes (freq: 0.02334), South Asian in 422 of 30614 chromosomes (freq: 0.01378), Other in 41 of 7222 chromosomes (freq: 0.005677), European (non-Finnish) in 488 of 129158 chromosomes (freq: 0.003778), Latino in 68 of 35440 chromosomes (freq: 0.001919), European (Finnish) in 15 of 25124 chromosomes (freq: 0.000597), African in 10 of 24970 chromosomes (freq: 0.000401), and East Asian in 5 of 19952 chromosomes (freq: 0.000251). The variant occurs outside of the splicing consensus sequence and in silico or computational prediction software programs (SpliceSiteFinder, MaxEntScan, NNSPLICE, GeneSplicer) do not predict a difference in splicing. The p.Gly1961 residue is conserved across mammals and other organisms, and computational analyses (PolyPhen-2, SIFT, AlignGVGD, BLOSUM, MutationTaster) suggest that the variant may impact the protein. Further, functional analysis has demonstrated that this variant results in reduced basal and retinal-stimulated ATPase activities compared to control (Sun_2000_PMID:11017087). In summary, based on the above information this variant meets our laboratoryâ€šÃ„Ã´s criteria to be classified as pathogenic.

Joint Genome Diagnostic Labs from Nijmegen and Maastricht, Radboudumc and MUMC+
Classification: Pathogenic. Review status: no assertion criteria provided. Collection method: clinical testing. Allele origin: germline. Affected: yes. Study: VKGL Data-share Consensus. Not counted in ClinVar's aggregate classification.

NEI Ophthalmic Genomics Laboratory, National Institutes of Health
No classification provided. Review status: no classification provided. Collection method: not provided. Allele origin: not provided. Not counted in ClinVar's aggregate classification.

Retina International
No classification provided. Review status: no classification provided. Collection method: not provided. Allele origin: unknown. Not counted in ClinVar's aggregate classification.

Dubai Health Genomic Medicine Center, Dubai Health
Classification: Benign. Last evaluated: 2020-02-11. Review status: flagged submission. Criteria: ACMG Guidelines, 2015. Collection method: clinical testing. Allele origin: germline. Affected: yes. Not counted in ClinVar's aggregate classification.
ClinVar note: Reason: Claim with insufficient supporting evidence

Literature cited by the submitters: PubMed 28559085 (cited by 4 submitters); PubMed 11017087 (cited by 11 submitters); PubMed 28181551 (cited by 4 submitters); PubMed 30060493 (cited by 4 submitters); PubMed 29847635 (cited by 7 submitters); PubMed 28327576 (cited by 5 submitters); PubMed 29925512 (cited by 3 submitters); PubMed 25922843 (cited by Department of Molecular Genetics, Istishari Arab Hospital); PubMed 33909047 (cited by Department of Molecular Genetics, Istishari Arab Hospital and Institute of Human Genetics, Univ. Regensburg, Univ. Regensburg); PubMed 22661473 (cited by 8 submitters); PubMed 16896346 (cited by Department of Molecular Genetics, Istishari Arab Hospital); PubMed 19217903 (cited by 7 submitters); PubMed 23769331 (cited by Department of Molecular Genetics, Istishari Arab Hospital and Illumina Laboratory Services, Illumina); PubMed 31318848 (cited by Department of Molecular Genetics, Istishari Arab Hospital); PubMed 35120629 (cited by Department of Molecular Genetics, Istishari Arab Hospital); PubMed 19074458 (cited by 4 submitters); PubMed 29555955 (cited by 3 submitters); PubMed 25921964 (cited by 3 submitters); PubMed 28446513 (cited by Labcorp Genetics (formerly Invitae), Labcorp); PubMed 33258285 (cited by 3billion); PubMed 22427542 (cited by 3 submitters); PubMed 26527198 (cited by 3billion and Illumina Laboratory Services, Illumina); PubMed 9295268 (cited by 6 submitters); PubMed 23755871 (cited by Variantyx, Inc.); PubMed 26780318 (cited by Variantyx, Inc.); PubMed 28118664 (cited by Variantyx, Inc. and Institute of Human Genetics, Univ. Regensburg, Univ. Regensburg); PubMed 20696155 (cited by 3 submitters); PubMed 16103129 (cited by 4 submitters); PubMed 30093795 (cited by Equipe Genetique des Anomalies du Developpement, Université de Bourgogne).